The following is an entry in ClinVar:

NM_024120.5(NDUFAF5):c.712_715del (p.Thr238fs)

Gene: NDUFAF5 (NADH:ubiquinone oxidoreductase complex assembly factor 5; plus strand). Cytogenetic location: 20p12.1.
Variant type: Deletion.
Coding change: c.712_715del on transcript NM_024120.5 (MANE Select); coding-DNA positions 712 to 715, 4 bases deleted (ACTG; older notation c.712_715delACTG).
Protein change: p.Thr238fs; shifts the reading frame from threonine 238.
Molecular consequence: frameshift variant. On other transcripts: non-coding transcript variant (7).
Genome position (GRCh38, 1-based): chr20:13,801,678-13,801,681, ACTG deleted; deleting any 4 consecutive bases within chr20:13,801,675-13,801,681 gives the same sequence; the c. name uses the placement nearest the transcript's 3' end. VCF-style (leftmost placement, unchanged base first): chr20-13801674-TCTGA-T. GRCh37 (hg19) VCF-style: chr20-13782320-TCTGA-T.
Other names: c.628_631del, p.Thr210fs (NM_001039375.3); c.241_244del, p.Thr81fs (NM_001352403.2); c.151_154del, p.Thr51fs (NM_001352406.2, NM_001352407.2); c.712_715del, p.Thr238fs (NM_001352408.2); short protein forms T210fs, T238fs, T51fs, T81fs.
Identifiers: ClinVar variation 1722455 (VCV001722455.7), dbSNP rs1386317763, ClinGen allele CA634802181.

ClinVar aggregate classification (germline): Pathogenic/Likely pathogenic. Review status: criteria provided, multiple submitters, no conflicts (2 of 4 stars). 3 submissions from 3 submitters: Pathogenic (1); Likely pathogenic (2). Last evaluated 2023-11-15.

Conditions:
Mitochondrial complex I deficiency, nuclear type 16. Also called: Mitochondrial complex 1 deficiency, nuclear type 16. Identifiers: MedGen C4748785, MONDO:0032621, OMIM 618238.
Leigh syndrome (NULS). Also called: Leigh's necrotizing encephalopathy; Leigh's disease; Leigh Syndrome (mtDNA deletion); Leigh's syndrome; Leigh Disease; Subacute necrotizing encephalopathy. Identifiers: Orphanet 506, MedGen C2931891, MONDO:0009723, OMIM 256000.

Submissions (3):

Baylor Genetics
Classification: Likely pathogenic for Mitochondrial complex I deficiency, nuclear type 16. Last evaluated: 2023-11-15. Review status: criteria provided, single submitter. Criteria: ACMG Guidelines, 2015. Collection method: clinical testing. Allele origin: unknown.

Women's Health and Genetics/Laboratory Corporation of America, LabCorp
Classification: Likely pathogenic for Leigh syndrome. Last evaluated: 2022-09-28. Review status: criteria provided, single submitter. Criteria: LabCorp Variant Classification Summary - May 2015. Collection method: clinical testing. Allele origin: germline.
Comment: Variant summary: NDUFAF5 c.712_715delACTG (p.Thr238TrpfsX16) results in a premature termination codon, predicted to cause a truncation of the encoded protein or absence of the protein due to nonsense mediated decay, which are commonly known mechanisms for disease. The variant allele was found at a frequency of 4e-06 in 251336 control chromosomes (gnomAD). To our knowledge, no occurrence of c.712_715delACTG in individuals affected with Leigh Syndrome and no experimental evidence demonstrating its impact on protein function have been reported. No clinical diagnostic laboratories have submitted clinical-significance assessments for this variant to ClinVar after 2014. Based on the evidence outlined above, the variant was classified as likely pathogenic.

Labcorp Genetics (formerly Invitae), Labcorp
Classification: Pathogenic. Last evaluated: 2022-07-02. Review status: criteria provided, single submitter. Criteria: Invitae Variant Classification Sherloc (09022015). Collection method: clinical testing. Allele origin: germline.
Comment: For these reasons, this variant has been classified as Pathogenic. This variant has not been reported in the literature in individuals affected with NDUFAF5-related conditions. This variant is present in population databases (no rsID available, gnomAD 0.006%). This sequence change creates a premature translational stop signal (p.Thr238Trpfs*16) in the NDUFAF5 gene. It is expected to result in an absent or disrupted protein product. Loss-of-function variants in NDUFAF5 are known to be pathogenic (PMID: 26275793, 30473481, 32918965).

Literature cited by the submitters: PubMed 26275793 (cited by Labcorp Genetics (formerly Invitae), Labcorp); PubMed 30473481 (cited by Labcorp Genetics (formerly Invitae), Labcorp); PubMed 32918965 (cited by Labcorp Genetics (formerly Invitae), Labcorp).